The following is an entry in ClinVar:

ClinVar aggregate classification (germline): Benign/Likely benign. Review status: criteria provided, multiple submitters, no conflicts (2 of 4 stars). 3 submissions from 3 submitters: Benign (1); Likely benign (2). Last evaluated 2025-11-10.

Conditions:
Pheochromocytoma/paraganglioma syndrome 3. Also called: Paragangliomas 3; SDHC-Related Hereditary Paraganglioma-Pheochromocytoma Syndrome (Paragangliomas 3); SDHC-Related Hereditary Paraganglioma-Pheochromocytoma Syndrome; GLOMUS TUMORS, FAMILIAL, 3. Identifiers: Orphanet 29072, MedGen C1854336, MONDO:0011544, OMIM 605373.
Gastrointestinal stromal tumor. Also called: Gastrointestinal stroma tumor; Gastrointestinal stromal tumor, somatic. Identifiers: Orphanet 44890, MedGen C0238198, MeSH D046152, MONDO:0011719, OMIM 606764, HP:0100723.
Hereditary cancer-predisposing syndrome. Also called: Neoplastic Syndromes, Hereditary; Hereditary Cancer Syndrome; Hereditary neoplastic syndrome; Tumor predisposition. Identifiers: Orphanet 140162, MedGen C0027672, MeSH D009386, MONDO:0015356.

Submissions (3):

Labcorp Genetics (formerly Invitae), Labcorp
Classification: Likely benign for Pheochromocytoma/paraganglioma syndrome 3; Gastrointestinal stromal tumor. Last evaluated: 2025-11-10. Review status: criteria provided, single submitter. Criteria: Invitae Variant Classification Sherloc (09022015). Collection method: clinical testing. Allele origin: germline.

Myriad Genetics, Inc.
Classification: Benign for Pheochromocytoma/paraganglioma syndrome 3. Last evaluated: 2025-03-14. Review status: criteria provided, single submitter. Criteria: Myriad Autosomal Dominant, Autosomal Recessive and X-Linked Classification Criteria (2023). Collection method: clinical testing. Allele origin: unknown.
Comment: This variant is considered benign. This variant is a silent/synonymous amino acid change and it is not expected to impact splicing.

Ambry Genetics
Classification: Likely benign for Hereditary cancer-predisposing syndrome. Last evaluated: 2024-08-09. Review status: criteria provided, single submitter. Criteria: Ambry Variant Classification Scheme 2023. Collection method: clinical testing. Allele origin: germline.

NM_003001.5(SDHC):c.334C>T (p.Leu112=)

Gene: SDHC (succinate dehydrogenase complex subunit C; plus strand). Cytogenetic location: 1q23.3.
Variant type: single nucleotide variant.
Coding change: c.334C>T on transcript NM_003001.5 (MANE Select); coding-DNA position 334, C replaced by T.
Protein change: p.Leu112=; no amino-acid change (leucine 112 retained).
Molecular consequence: synonymous variant. On other transcripts: non-coding transcript variant (1), intron variant (3).
Genome position (GRCh38, 1-based): chr1:161,356,769, C>T. VCF-style: chr1-161356769-C-T. GRCh37 (hg19) VCF-style: chr1-161326559-C-T.
Other names: c.232C>T, p.Leu78= (NM_001035512.3); c.175C>T, p.Leu59= (NM_001035513.3); c.454C>T, p.Leu152= (NM_001407115.1); c.277C>T, p.Leu93= (NM_001407116.1); c.271C>T, p.Leu91= (NM_001407117.1); c.226C>T, p.Leu76= (NM_001407118.1); c.223C>T, p.Leu75= (NM_001407119.1, NM_001407120.1); c.242-5560C>T (NM_001035511.3); and 2 more.
Identifiers: ClinVar variation 1090612 (VCV001090612.10), dbSNP rs1329297940, ClinGen allele CA421501063.
Genomic context (GRCh38, chr1:161,356,769, plus strand): 5'-CTCCCTGGGAACTTTGAGTCTTATTTGGAACTTGTGAAGTCCCTGTGTCTGGGGCCAGCA[C>T]TGATCCACACAGCTAAGTTTGCACTTGTCTTCCCTCTCATGTATCATACCTGGAATGGGA-3'
Protein context (NP_002992.1, residues 102-122): LVKSLCLGPA[Leu112=]IHTAKFALVF